The following is an entry in ClinVar:

NM_001174150.2(ARL13B):c.59+8G>A

Gene: ARL13B (ARF like GTPase 13B; plus strand). Cytogenetic location: 3q11.1.
Variant type: single nucleotide variant.
Coding change: c.59+8G>A on transcript NM_001174150.2 (MANE Select); 8 bases into the intron after coding-DNA position 59, G replaced by A.
Molecular consequence: intron variant.
Genome position (GRCh38, 1-based): chr3:93,980,490, G>A. VCF-style: chr3-93980490-G-A. GRCh37 (hg19) VCF-style: chr3-93699334-G-A.
Other names: c.-109+8G>A (NM_001321328.2); c.59+8G>A (NM_182896.3, NM_144996.4); c.-180+8G>A (NM_001174151.2).
Identifiers: ClinVar variation 696084 (VCV000696084.13), dbSNP rs183229189, ClinGen allele CA2503734.

ClinVar aggregate classification (germline): Likely benign. Review status: criteria provided, multiple submitters, no conflicts (2 of 4 stars). 3 submissions from 3 submitters: Likely benign (2). 1 of the submissions does not count toward it. Last evaluated 2025-10-03.

Conditions:
Joubert syndrome 8 (JBTS8). Identifiers: Orphanet 475, MedGen C2676771, MONDO:0012855, OMIM 612291.
ARL13B-related disorder. Also called: ARL13B-related condition.

Allele frequency attached by ClinVar (database versions not stated): gnomAD exomes 0.00005 and 0.00015; ExAC 0.00019; gnomAD 0.00060 and 0.00061; TOPMed 0.00073; ESP Exome Variant Server 0.00085; 1000 Genomes Project 0.00100; 1000 Genomes Project 30x 0.00109.
gnomAD v4.1: 159 of 1,610,054 alleles (0.0099%); highest among the groups gnomAD compares: African/African-American, 0.2%; no homozygotes.

Submissions (3):

Labcorp Genetics (formerly Invitae), Labcorp
Classification: Likely benign for Joubert syndrome 8. Last evaluated: 2025-10-03. Review status: criteria provided, single submitter. Criteria: Invitae Variant Classification Sherloc (09022015). Collection method: clinical testing. Allele origin: germline.

Blueprint Genetics
Classification: Likely benign. Last evaluated: 2024-02-27. Review status: criteria provided, single submitter. Criteria: ACMG Guidelines, 2015. Collection method: clinical testing. Allele origin: germline.

PreventionGenetics, part of Exact Sciences
Classification: Likely benign for ARL13B-related condition. Last evaluated: 2019-07-25. Review status: no assertion criteria provided. Collection method: clinical testing. Allele origin: germline. Not counted in ClinVar's aggregate classification.
Comment: This variant is classified as likely benign based on ACMG/AMP sequence variant interpretation guidelines (Richards et al. 2015 PMID: 25741868, with internal and published modifications).